The following is an entry in ClinVar:

ClinVar aggregate classification (germline): Benign. Review status: criteria provided, multiple submitters, no conflicts (2 of 4 stars). 2 submissions from 2 submitters: Benign (2). Last evaluated 2018-01-12.

Conditions:
Early-onset generalized limb-onset dystonia. Also called: DYSTONIA MUSCULORUM DEFORMANS 1; Oppenheim's dystonia; Early onset torsion dystonia; DYT-TOR1A; Dystonia-1, torsion; Dystonia 1, modifier of. Identifiers: Orphanet 256, MedGen C1851945, MONDO:0007492, OMIM 128100.

Allele frequency attached by ClinVar (database versions not stated): 1000 Genomes Project 0.06809; 1000 Genomes Project 30x 0.07105; gnomAD exomes 0.07177; gnomAD 0.08131 and 0.08368; TOPMed 0.08563.
gnomAD v4.1: 21,702 of 278,610 alleles (7.8%); highest among the groups gnomAD compares: Middle Eastern, 12%; 966 homozygotes.

Submissions (2):

Illumina Laboratory Services, Illumina
Classification: Benign for Early-onset generalized limb-onset dystonia. Last evaluated: 2018-01-12. Review status: criteria provided, single submitter. Criteria: ICSL Variant Classification Criteria 13 December 2019. Collection method: clinical testing. Allele origin: germline.
Comment: This variant was observed in the ICSL laboratory as part of a predisposition screen in an ostensibly healthy population. It had not been previously curated by ICSL or reported in the Human Gene Mutation Database (HGMD: prior to June 1st, 2018), and was therefore a candidate for classification through an automated scoring system. Utilizing variant allele frequency, disease prevalence and penetrance estimates, and inheritance mode, an automated score was calculated to assess if this variant is too frequent to cause the disease. Based on the score and internal cut-off values, a variant classified as benign is not then subjected to further curation. The score for this variant resulted in a classification of benign for this disease.

Breakthrough Genomics
Classification: Benign. Review status: criteria provided, single submitter. Criteria: ACMG Guidelines, 2015. Collection method: not provided. Allele origin: germline. Inheritance: Autosomal recessive inheritance. Affected: yes.

NM_000113.3(TOR1A):c.*454T>A

Gene: TOR1A (torsin family 1 member A; minus strand). Cytogenetic location: 9q34.11.
Variant type: single nucleotide variant.
Coding change: c.*454T>A on transcript NM_000113.3 (MANE Select); 454 bases downstream of the stop codon, T replaced by A.
Molecular consequence: 3 prime UTR variant.
Genome position (GRCh38, 1-based): chr9:129,813,518, A>T on the plus strand (T>A on the coding strand, the complement: TOR1A is on the minus strand). VCF-style: chr9-129813518-A-T. GRCh37 (hg19) VCF-style: chr9-132575797-A-T.
Identifiers: ClinVar variation 365220 (VCV000365220.6), dbSNP rs1045441, ClinGen allele CA10632820.